The following is an entry in ClinVar:

ClinVar aggregate classification (germline): Benign. Review status: criteria provided, multiple submitters, no conflicts (2 of 4 stars). 2 submissions from 2 submitters: Benign (2). Last evaluated 2018-06-20.

Allele frequency attached by ClinVar (database versions not stated): TOPMed 0.12026; gnomAD 0.12280 and 0.12664; 1000 Genomes Project 30x 0.14522; 1000 Genomes Project 0.14796.
gnomAD v4.1: 115,070 of 859,972 alleles (13%); highest among the groups gnomAD compares: South Asian, 27%; 8,948 homozygotes.

Submissions (2):

GeneDx
Classification: Benign. Last evaluated: 2018-06-20. Review status: criteria provided, single submitter. Criteria: GeneDx Variant Classification (06012015). Collection method: clinical testing. Allele origin: germline. Affected: yes.
Comment: This variant is considered likely benign or benign based on one or more of the following criteria: it is a conservative change, it occurs at a poorly conserved position in the protein, it is predicted to be benign by multiple in silico algorithms, and/or has population frequency not consistent with disease.

Breakthrough Genomics
Classification: Benign. Review status: criteria provided, single submitter. Criteria: ACMG Guidelines, 2015. Collection method: not provided. Allele origin: germline. Inheritance: Autosomal dominant inheritance. Affected: yes.

NM_003073.5(SMARCB1):c.501-164C>T

Gene: SMARCB1 (SWI/SNF related BAF chromatin remodeling complex subunit B1; plus strand). Cytogenetic location: 22q11.23.
Variant type: single nucleotide variant.
Coding change: c.501-164C>T on transcript NM_003073.5 (MANE Select); 164 bases into the intron before coding-DNA position 501, C replaced by T.
Molecular consequence: intron variant.
Genome position (GRCh38, 1-based): chr22:23,803,131, C>T. VCF-style: chr22-23803131-C-T. GRCh37 (hg19) VCF-style: chr22-24145318-C-T.
Other names: c.555-164C>T (NM_001362877.2); c.528-164C>T (NM_001317946.2); c.474-164C>T (NM_001007468.3).
Identifiers: ClinVar variation 677095 (VCV000677095.2), dbSNP rs11090286, ClinGen allele CA14993562.